The following is an entry in ClinVar:

ClinVar aggregate classification (germline): Pathogenic. Review status: reviewed by expert panel (3 of 4 stars). 4 submissions from 3 submitters: Pathogenic (1). 3 of the submissions do not count toward it. Last evaluated 2017-12-15.

Conditions:
Breast-ovarian cancer, familial, susceptibility to, 2 (BROVCA2). Also called: BRCA2 Hereditary Breast and Ovarian Cancer. Identifiers: Orphanet 145, MedGen C2675520, MONDO:0012933, OMIM 612555. Disease mechanism: loss of function.
Familial cancer of breast. Also called: Hereditary breast cancer; hereditary breast carcinoma; BREAST CANCER, FAMILIAL. Identifiers: Orphanet 227535, MedGen C0346153, MONDO:0016419, OMIM 114480. Disease mechanism: loss of function.

Allele frequency attached by ClinVar (database versions not stated): gnomAD 0.00001.

Submissions (4):

Evidence-based Network for the Interpretation of Germline Mutant Alleles (ENIGMA)
Classification: Pathogenic for Breast-ovarian cancer, familial, susceptibility to, 2. Last evaluated: 2017-12-15. Review status: reviewed by expert panel. Criteria: ENIGMA BRCA1/2 Classification Criteria (2017-06-29). Collection method: curation. Allele origin: germline. Study: ENIGMA.
Comment: Variant allele predicted to encode a truncated non-functional protein.

Institute of Human Genetics, University of Leipzig Medical Center
Classification: Pathogenic for Breast-ovarian cancer, familial, susceptibility to, 2. Last evaluated: 2026-03-23. Review status: criteria provided, single submitter. Criteria: ACMG Guidelines, 2015. Collection method: clinical testing. Allele origin: unknown. Inheritance: Autosomal dominant inheritance. Affected: yes. Not counted in ClinVar's aggregate classification.
Comment: Criteria applied: PVS1,PM5_STR

Institute of Human Genetics, University of Leipzig Medical Center
Classification: Pathogenic for Familial cancer of breast. Last evaluated: 2024-01-12. Review status: criteria provided, single submitter. Criteria: ACMG Guidelines, 2015. Collection method: clinical testing. Allele origin: unknown. Inheritance: Autosomal dominant inheritance. Affected: yes. Not counted in ClinVar's aggregate classification.
Comment: Criteria applied: PVS1,PM5_STR,PM2_SUP

ClinVar Staff, National Center for Biotechnology Information (NCBI)
No classification provided. Condition: Familial cancer of breast. Review status: no classification provided. Collection method: literature only. Allele origin: germline. Affected: yes. Not counted in ClinVar's aggregate classification.

Literature cited by the submitters: PubMed 22762150 (cited by ClinVar Staff, National Center for Biotechnology Information (NCBI)).

NM_000059.4(BRCA2):c.6235del (p.Val2079fs)

Gene: BRCA2 (BRCA2 DNA repair associated; plus strand). Cytogenetic location: 13q13.1.
Variant type: Deletion.
Coding change: c.6235del on transcript NM_000059.4 (MANE Select); coding-DNA position 6235, one base deleted (G; older notation c.6235delG).
Protein change: p.Val2079fs; shifts the reading frame from valine 2079.
Molecular consequence: frameshift variant.
Genome position (GRCh38, 1-based): chr13:32,340,590, G deleted. VCF-style (leftmost placement, unchanged base first): chr13-32340589-AG-A. GRCh37 (hg19) VCF-style: chr13-32914726-AG-A.
Other names: c.6235delG (NM_000059.3); short protein forms V2079fs.
Identifiers: ClinVar variation 52037 (VCV000052037.5), dbSNP rs397507835, ClinGen allele CA023777.